The following is an entry in ClinVar:

NM_017636.4(TRPM4):c.1449C>G (p.Ser483Arg)

Gene: TRPM4 (transient receptor potential cation channel subfamily M member 4; plus strand). Cytogenetic location: 19q13.33.
Variant type: single nucleotide variant.
Coding change: c.1449C>G on transcript NM_017636.4 (MANE Select); coding-DNA position 1449, C replaced by G.
Protein change: p.Ser483Arg; replaces serine 483 with arginine.
Molecular consequence: missense variant. On other transcripts: 5 prime UTR variant (1).
Genome position (GRCh38, 1-based): chr19:49,182,763, C>G. VCF-style: chr19-49182763-C-G. GRCh37 (hg19) VCF-style: chr19-49686020-C-G.
Other names: c.1449C>G, p.Ser483Arg (NM_001195227.2); c.1104C>G, p.Ser368Arg (NM_001321281.2); c.-105C>G (NM_001321282.2); c.927C>G, p.Ser309Arg (NM_001321283.2); c.387C>G, p.Ser129Arg (NM_001321285.2); short protein forms S129R, S309R, S483R, S368R.
Identifiers: ClinVar variation 1467488 (VCV001467488.6), dbSNP rs937917897, ClinGen allele CA309442941.

ClinVar aggregate classification (germline): Uncertain significance (1 of 4 stars; one submission).

Conditions:
Progressive familial heart block type IB (PFHB1B). Identifiers: Orphanet 871, MedGen C1970298, MONDO:0011474, OMIM 604559.

Allele frequency attached by ClinVar (database versions not stated): gnomAD exomes below 0.00001; gnomAD 0.00001.
gnomAD v4.1: 1 of 1,613,658 alleles (0.000062%); no homozygotes.

Submission:

Labcorp Genetics (formerly Invitae), Labcorp
Classification: Uncertain significance for Progressive familial heart block type IB. Last evaluated: 2025-10-09. Review status: criteria provided, single submitter. Criteria: Invitae Variant Classification Sherloc (09022015). Collection method: clinical testing. Allele origin: germline.
Comment: This sequence change replaces serine, which is neutral and polar, with arginine, which is basic and polar, at codon 483 of the TRPM4 protein (p.Ser483Arg). This variant is present in population databases (no rsID available, gnomAD 0.0009%). This variant has not been reported in the literature in individuals affected with TRPM4-related conditions. ClinVar contains an entry for this variant (Variation ID: 1467488). An algorithm developed to predict the effect of missense changes on protein structure and function (PolyPhen-2) suggests that this variant is likely to be tolerated. In summary, the available evidence is currently insufficient to determine the role of this variant in disease. Therefore, it has been classified as a Variant of Uncertain Significance.